The following is an entry in ClinVar:

NM_000426.4(LAMA2):c.9172G>A (p.Ala3058Thr)

Gene: LAMA2 (laminin subunit alpha 2; plus strand). Cytogenetic location: 6q22.33.
Variant type: single nucleotide variant.
Coding change: c.9172G>A on transcript NM_000426.4 (MANE Select); coding-DNA position 9172, G replaced by A.
Protein change: p.Ala3058Thr; replaces alanine 3058 with threonine.
Molecular consequence: missense variant.
Genome position (GRCh38, 1-based): chr6:129,514,556, G>A. VCF-style: chr6-129514556-G-A. GRCh37 (hg19) VCF-style: chr6-129835701-G-A.
Other names: c.9160G>A, p.Ala3054Thr (NM_001079823.2); short protein forms A3058T, A3054T.
Identifiers: ClinVar variation 477527 (VCV000477527.6), dbSNP rs1317660866, ClinGen allele CA365637081.

ClinVar aggregate classification (germline): Uncertain significance (1 of 4 stars; one submission).

Conditions:
LAMA2-related muscular dystrophy (LAMA2-RD). Also called: Laminin alpha 2-related dystrophy. Identifiers: MedGen C5679788, MONDO:0100228.

Allele frequency attached by ClinVar (database versions not stated): gnomAD 0.00001; gnomAD exomes 0.00001; TOPMed 0.00001.
gnomAD v4.1: 14 of 1,614,000 alleles (0.00087%); highest among the groups gnomAD compares: Non-Finnish European, 0.0012%; no homozygotes.

Submission:

Labcorp Genetics (formerly Invitae), Labcorp
Classification: Uncertain significance for LAMA2-related muscular dystrophy. Last evaluated: 2021-08-26. Review status: criteria provided, single submitter. Criteria: Invitae Variant Classification Sherloc (09022015). Collection method: clinical testing. Allele origin: germline.
Comment: This sequence change replaces alanine with threonine at codon 3058 of the LAMA2 protein (p.Ala3058Thr). The alanine residue is moderately conserved and there is a small physicochemical difference between alanine and threonine. This variant is not present in population databases (ExAC no frequency). This variant has not been reported in the literature in individuals affected with LAMA2-related conditions. ClinVar contains an entry for this variant (Variation ID: 477527). Algorithms developed to predict the effect of missense changes on protein structure and function (SIFT, PolyPhen-2, Align-GVGD) all suggest that this variant is likely to be tolerated. In summary, the available evidence is currently insufficient to determine the role of this variant in disease. Therefore, it has been classified as a Variant of Uncertain Significance.